The following is an entry in ClinVar:

NM_001040108.2(MLH3):c.3107A>T (p.Glu1036Val)

Gene: MLH3 (mutL homolog 3; minus strand). Cytogenetic location: 14q24.3.
Variant type: single nucleotide variant.
Coding change: c.3107A>T on transcript NM_001040108.2 (MANE Select); coding-DNA position 3107, A replaced by T.
Protein change: p.Glu1036Val; replaces glutamic acid 1036 with valine.
Molecular consequence: missense variant.
Genome position (GRCh38, 1-based): chr14:75,046,549, T>A on the plus strand (A>T on the coding strand, the complement: MLH3 is on the minus strand). VCF-style: chr14-75046549-T-A. GRCh37 (hg19) VCF-style: chr14-75513252-T-A.
Other names: c.3107A>T, p.Glu1036Val (NM_014381.3); short protein forms E1036V.
Identifiers: ClinVar variation 3232524 (VCV003232524.1), dbSNP rs2503253944, ClinGen allele CA390436258.
Genomic context (GRCh38, chr14:75,046,549, plus strand): 5'-ACCATTCTTCCCAGGGCTACATCGAAATGCCGCTGCCAATCTGAACAACACGTGTTTGAC[T>A]CTTCAGTTTCAGAACAAGCTCTTGCTTTAGATTCCTCACTCTGAAAACAAATTCCATTTT-3'
Protein context (NP_001035197.1, residues 1026-1046): SKARACSETE[Glu1036Val]SNTCCSDWQR

ClinVar aggregate classification (germline): Uncertain significance (1 of 4 stars; one submission).

Submission:

Ambry Genetics
Classification: Uncertain significance. Last evaluated: 2024-01-15. Review status: criteria provided, single submitter. Criteria: Ambry Variant Classification Scheme 2023. Collection method: clinical testing. Allele origin: germline.
Comment: The p.E1036V variant (also known as c.3107A>T), located in coding exon 1 of the MLH3 gene, results from an A to T substitution at nucleotide position 3107. The glutamic acid at codon 1036 is replaced by valine, an amino acid with dissimilar properties. This amino acid position is conserved. In addition, the in silico prediction for this alteration is inconclusive. Since supporting evidence is limited at this time, the clinical significance of this alteration remains unclear.